The following is an entry in ClinVar:

ClinVar aggregate classification (germline): Conflicting classifications of pathogenicity. Review status: criteria provided, conflicting classifications (1 of 4 stars). 3 submissions from 3 submitters: Uncertain significance (2); Likely benign (1). Last evaluated 2024-09-12.

Conditions:
Familial thoracic aortic aneurysm and aortic dissection (TAAD). Also called: Thoracic aortic aneurysms and dissections. Identifiers: Orphanet 91387, MedGen C4707243, MONDO:0019625.

Allele frequency attached by ClinVar (database versions not stated): TOPMed below 0.00001.

Submissions (3):

Color Diagnostics, LLC DBA Color Health
Classification: Likely benign for Familial thoracic aortic aneurysm and aortic dissection. Last evaluated: 2024-09-12. Review status: criteria provided, single submitter. Criteria: ACMG Guidelines, 2015. Collection method: clinical testing. Allele origin: germline.

Mendelics
Classification: Uncertain significance. Last evaluated: 2022-05-04. Review status: criteria provided, single submitter. Criteria: Mendelics Assertion Criteria 2019. Collection method: clinical testing. Allele origin: germline.

Ambry Genetics
Classification: Uncertain significance for Familial thoracic aortic aneurysm and aortic dissection. Last evaluated: 2020-01-07. Review status: criteria provided, single submitter. Criteria: Ambry Variant Classification Scheme 2023. Collection method: clinical testing. Allele origin: germline.
Comment: The p.A2160T variant (also known as c.6478G>A), located in coding exon 52 of the FBN1 gene, results from a G to A substitution at nucleotide position 6478. The alanine at codon 2160 is replaced by threonine, an amino acid with similar properties, and is located in the cbEGF-like #32 domain. An alternate amino acid substitution at this position, p.A2160P (c.6478G>C), has been reported as de novo in one individual from a Marfan syndrome cohort (Arbustini E et al. Hum. Mutat., 2005 Nov;26:494). This amino acid position is poorly conserved in available vertebrate species. In addition, this alteration is predicted to be tolerated by in silico analysis. Since supporting evidence is limited at this time, the clinical significance of this alteration remains unclear.

Literature cited by the submitters: PubMed 16222657 (cited by Ambry Genetics).

NM_000138.5(FBN1):c.6478G>A (p.Ala2160Thr)

Gene: FBN1 (fibrillin 1; minus strand). Cytogenetic location: 15q21.1.
Variant type: single nucleotide variant.
Coding change: c.6478G>A on transcript NM_000138.5 (MANE Select); coding-DNA position 6478, G replaced by A.
Protein change: p.Ala2160Thr; replaces alanine 2160 with threonine.
Molecular consequence: missense variant.
Genome position (GRCh38, 1-based): chr15:48,436,979, C>T on the plus strand (G>A on the coding strand, the complement: FBN1 is on the minus strand). VCF-style: chr15-48436979-C-T. GRCh37 (hg19) VCF-style: chr15-48729176-C-T.
Other names: short protein forms A2160T.
Identifiers: ClinVar variation 921417 (VCV000921417.6), dbSNP rs2043077484, ClinGen allele CA392336356.
Genomic context (GRCh38, chr15:48,436,979, plus strand): 5'-TTTAATTTGTAAAGTTCCTATGGAAGAAAACTTATTACTCACCTACACATTCATTCCCTG[C>T]TAGAATATAACCAAAGGGACACTCGCAGCGATAGGAACCATCTGTATTGATGCACTGTCC-3'
Protein context (NP_000129.3, residues 2150-2170): RCECPFGYIL[Ala2160Thr]GNECVDTDEC